The following is an entry in ClinVar:

ClinVar aggregate classification (germline): Likely benign. Review status: criteria provided, multiple submitters, no conflicts (2 of 4 stars). 2 submissions from 2 submitters: Likely benign (2). Last evaluated 2024-06-26.

Allele frequency attached by ClinVar (database versions not stated): gnomAD 0.00033 and 0.00030; 1000 Genomes Project 0.00040; 1000 Genomes Project 30x 0.00047; gnomAD exomes 0.00004 and 0.00008; ExAC 0.00010; TOPMed 0.00029.
gnomAD v4.1: 97 of 1,595,910 alleles (0.0061%); highest among the groups gnomAD compares: African/African-American, 0.13%; no homozygotes.

Submissions (2):

Labcorp Genetics (formerly Invitae), Labcorp
Classification: Likely benign. Last evaluated: 2024-06-26. Review status: criteria provided, single submitter. Criteria: Invitae Variant Classification Sherloc (09022015). Collection method: clinical testing. Allele origin: germline.

GeneDx
Classification: Likely benign. Last evaluated: 2017-05-11. Review status: criteria provided, single submitter. Criteria: GeneDx Variant Classification (06012015). Collection method: clinical testing. Allele origin: germline. Affected: yes.
Comment: This variant is considered likely benign or benign based on one or more of the following criteria: it is a conservative change, it occurs at a poorly conserved position in the protein, it is predicted to be benign by multiple in silico algorithms, and/or has population frequency not consistent with disease.

NM_020442.6(VARS2):c.2107-13C>T

Genes: VARS2 (valyl-tRNA synthetase 2, mitochondrial; plus strand), LOC126859646 (MED14-independent group 3 enhancer GRCh37_chr6:30889690-30890889; plus strand). Cytogenetic location: 6p21.33.
Variant type: single nucleotide variant.
Coding change: c.2107-13C>T on transcript NM_020442.6 (MANE Select); 13 bases into the intron before coding-DNA position 2107, C replaced by T.
Molecular consequence: intron variant.
Genome position (GRCh38, 1-based): chr6:30,922,885, C>T. VCF-style: chr6-30922885-C-T. GRCh37 (hg19) VCF-style: chr6-30890662-C-T.
Other names: c.2197-13C>T (NM_001167734.2); c.1687-13C>T (NM_001167733.3).
Identifiers: ClinVar variation 388159 (VCV000388159.3), dbSNP rs540390854, ClinGen allele CA3706180.
Genomic context (GRCh38, chr6:30,922,885, plus strand): 5'-TTCCTCTGCAACCCAGGTCCTGGCCCTGCAGCCACAAAGGCATCTGCCACCCTTCTTCTT[C>T]CTCTGGTTGCAGAAAAAGGACTTTCCTCACGGGATCCCTGAGTGTGGGACAGATGCCCTG-3'